The following is an entry in ClinVar:

NM_138425.4(C12orf57):c.-8G>A

Gene: C12orf57 (chromosome 12 open reading frame 57; plus strand). Cytogenetic location: 12p13.31.
Variant type: single nucleotide variant.
Coding change: c.-8G>A on transcript NM_138425.4 (MANE Select); 8 bases upstream of the start codon, G replaced by A.
Molecular consequence: 5 prime UTR variant. On other transcripts: non-coding transcript variant (1), intron variant (1).
Genome position (GRCh38, 1-based): chr12:6,944,114, G>A. VCF-style: chr12-6944114-G-A. GRCh37 (hg19) VCF-style: chr12-7053277-G-A.
Other names: c.-8G>A (NM_001301834.1, NM_001301837.2); c.-209G>A (NM_001301838.2); c.14-362G>A (NM_001301836.2).
Identifiers: ClinVar variation 4979075 (VCV004979075.1).

ClinVar aggregate classification (germline): Uncertain significance (1 of 4 stars; one submission).

Conditions:
C12orf57-related disorder. Also called: C12orf57-related condition.

gnomAD v4.1: 89 of 1,614,226 alleles (0.0055%); highest among the groups gnomAD compares: Middle Eastern, 0.016%; no homozygotes.

Submission:

PreventionGenetics, part of Exact Sciences
Classification: Uncertain significance for C12orf57-related condition. Last evaluated: 2025-09-03. Review status: criteria provided, single submitter. Criteria: ACMG Guidelines, 2015. Collection method: clinical testing. Allele origin: germline.
Comment: The C12orf57 c.14-362G>A variant is predicted to interfere with splicing. To our knowledge, this variant has not been reported in the literature. This variant is present in 0.0029% of alleles in individuals of Latino descent in gnomAD. At this time, the clinical significance of this variant is uncertain due to the absence of conclusive functional and genetic evidence.